The following is an entry in ClinVar:

ClinVar aggregate classification (germline): Uncertain significance (1 of 4 stars; one submission).

Conditions:
Charcot-Marie-Tooth disease type 2. Also called: Charcot-Marie-Tooth type 2. Identifiers: Orphanet 64746, MedGen C0270914, MONDO:0018993.

Submission:

Labcorp Genetics (formerly Invitae), Labcorp
Classification: Uncertain significance for Charcot-Marie-Tooth disease type 2. Last evaluated: 2024-08-24. Review status: criteria provided, single submitter. Criteria: Invitae Variant Classification Sherloc (09022015). Collection method: clinical testing. Allele origin: germline.
Comment: This sequence change replaces methionine, which is neutral and non-polar, with lysine, which is basic and polar, at codon 540 of the LMNA protein (p.Met540Lys). This variant is not present in population databases (gnomAD no frequency). This variant has not been reported in the literature in individuals affected with LMNA-related conditions. Invitae Evidence Modeling of protein sequence and biophysical properties (such as structural, functional, and spatial information, amino acid conservation, physicochemical variation, residue mobility, and thermodynamic stability) indicates that this missense variant is expected to disrupt LMNA protein function with a positive predictive value of 95%. This variant disrupts the p.Met540 amino acid residue in LMNA. Other variant(s) that disrupt this residue have been observed in individuals with LMNA-related conditions (PMID: 16825282, 24639906, 26602028), which suggests that this may be a clinically significant amino acid residue. In summary, the available evidence is currently insufficient to determine the role of this variant in disease. Therefore, it has been classified as a Variant of Uncertain Significance.

Literature cited by the submitters: PubMed 16825282; PubMed 24639906; PubMed 26602028.

NM_170707.4(LMNA):c.1619T>A (p.Met540Lys)

Gene: LMNA (lamin A/C; plus strand). Cytogenetic location: 1q22.
Variant type: single nucleotide variant.
Coding change: c.1619T>A on transcript NM_170707.4 (MANE Select); coding-DNA position 1619, T replaced by A.
Protein change: p.Met540Lys; replaces methionine 540 with lysine.
Molecular consequence: missense variant. On other transcripts: intron variant (1).
Genome position (GRCh38, 1-based): chr1:156,137,664, T>A. VCF-style: chr1-156137664-T-A. GRCh37 (hg19) VCF-style: chr1-156107455-T-A.
Other names: c.1061T>A, p.Met354Lys (NM_001406997.1, NM_001407002.1, NM_001407003.1 and 4 more transcripts); c.1283T>A, p.Met428Lys (NM_001406998.1, NM_001257374.3, NM_001406989.1); c.995T>A, p.Met332Lys (NM_001406999.1, NM_001407000.1, NM_001407001.1 and 1 more transcripts); c.1619T>A, p.Met540Lys (NM_005572.4, NM_001282625.2, NM_001282626.2 and 5 more transcripts); c.1608+432T>A (NM_170708.4); c.1376T>A, p.Met459Lys (NM_001282624.2, NM_001406986.1, NM_001406987.1); c.1322T>A, p.Met441Lys (NM_001406988.1); short protein forms M459K, M428K, M441K, M332K, M354K, M540K.
Identifiers: ClinVar variation 2831707 (VCV002831707.3), dbSNP rs267607547, ClinGen allele CA342825341.